The following is an entry in ClinVar:

ClinVar aggregate classification (germline): Uncertain significance. Review status: criteria provided, multiple submitters, no conflicts (2 of 4 stars). 2 submissions from 2 submitters: Uncertain significance (2). Last evaluated 2026-02-02.

Conditions:
Inborn genetic diseases. Identifiers: MedGen C0950123, MeSH D030342.

gnomAD v4.1: 15 of 1,614,176 alleles (0.00093%); highest among the groups gnomAD compares: Non-Finnish European, 0.0011%; no homozygotes.

Submissions (2):

Labcorp Genetics (formerly Invitae), Labcorp
Classification: Uncertain significance. Last evaluated: 2026-02-02. Review status: criteria provided, single submitter. Criteria: Invitae Variant Classification Sherloc (09022015). Collection method: clinical testing. Allele origin: germline.
Comment: This sequence change replaces arginine, which is basic and polar, with glutamine, which is neutral and polar, at codon 546 of the MBD4 protein (p.Arg546Gln). This variant is not present in population databases (gnomAD no frequency). This variant has not been reported in the literature in individuals affected with MBD4-related conditions. ClinVar contains an entry for this variant (Variation ID: 3675919). An algorithm developed to predict the effect of missense changes on protein structure and function (PolyPhen-2) suggests that this variant is likely to be disruptive. In summary, the available evidence is currently insufficient to determine the role of this variant in disease. Therefore, it has been classified as a Variant of Uncertain Significance.

Ambry Genetics
Classification: Uncertain significance for Inborn genetic diseases. Last evaluated: 2025-02-21. Review status: criteria provided, single submitter. Criteria: Ambry Variant Classification Scheme 2023. Collection method: clinical testing. Allele origin: germline.
Comment: The p.R540Q variant (also known as c.1619G>A), located in coding exon 7 of the MBD4 gene, results from a G to A substitution at nucleotide position 1619. The arginine at codon 540 is replaced by glutamine, an amino acid with highly similar properties. This amino acid position is conserved. In addition, this alteration is predicted to be deleterious by in silico analysis. Based on the available evidence, the clinical significance of this variant remains unclear.

NM_001276270.2(MBD4):c.1619G>A (p.Arg540Gln)

Gene: MBD4 (methyl-CpG binding domain 4, DNA glycosylase; minus strand). Cytogenetic location: 3q21.3.
Variant type: single nucleotide variant.
Coding change: c.1619G>A on transcript NM_001276270.2 (MANE Select); coding-DNA position 1619, G replaced by A.
Protein change: p.Arg540Gln; replaces arginine 540 with glutamine.
Molecular consequence: missense variant. On other transcripts: intron variant (1).
Genome position (GRCh38, 1-based): chr3:129,432,531, C>T on the plus strand (G>A on the coding strand, the complement: MBD4 is on the minus strand). VCF-style: chr3-129432531-C-T. GRCh37 (hg19) VCF-style: chr3-129151374-C-T.
Other names: c.1637G>A, p.Arg546Gln (NM_001276271.2, NM_003925.3); c.683G>A, p.Arg228Gln (NM_001276273.2); c.1612+25G>A (NM_001276272.2); short protein forms R540Q, R546Q, R228Q.
Identifiers: ClinVar variation 3675919 (VCV003675919.3).